The following is an entry in ClinVar:

ClinVar aggregate classification (germline): Uncertain significance (1 of 4 stars; one submission).

Submission:

GeneDx
Classification: Uncertain significance. Last evaluated: 2019-04-25. Review status: criteria provided, single submitter. Criteria: GeneDx Variant Classification Process June 2021. Collection method: clinical testing. Allele origin: germline. Affected: yes.
Comment: Has not been previously published as pathogenic or benign to our knowledge; Not observed in large population cohorts (Lek et al., 2016); In silico analysis, which includes protein predictors and evolutionary conservation, supports a deleterious effect

NM_001276345.2(TNNT2):c.397C>G (p.Leu133Val)

Gene: TNNT2 (troponin T2, cardiac type; minus strand). Cytogenetic location: 1q32.1.
Variant type: single nucleotide variant.
Coding change: c.397C>G on transcript NM_001276345.2 (MANE Select); coding-DNA position 397, C replaced by G.
Protein change: p.Leu133Val; replaces leucine 133 with valine.
Molecular consequence: missense variant. On other transcripts: intron variant (1).
Genome position (GRCh38, 1-based): chr1:201,365,205, G>C on the plus strand (C>G on the coding strand, the complement: TNNT2 is on the minus strand). VCF-style: chr1-201365205-G-C. GRCh37 (hg19) VCF-style: chr1-201334333-G-C.
Other names: c.397C>G, p.Leu133Val (NM_000364.4); c.367C>G, p.Leu123Val (NM_001001430.3, NM_001001431.3, NM_001276347.2); c.352C>G, p.Leu118Val (NM_001001432.3); c.291+405C>G (NM_001276346.2); short protein forms L118V, L123V, L133V.
Identifiers: ClinVar variation 1302623 (VCV001302623.2), dbSNP rs2102260733, ClinGen allele CA344206203.
Genomic context (GRCh38, chr1:201,365,205, plus strand): 5'-AGACTGGGCCATCAGAGAATGTTAGGTGGGCAGACTGGACACCTACGATCCTGTCTTTGA[G>C]AGAAACGAGCTCCTCCTCCTCTTTCTTCCTGTTCTCAAAGTGAGCCTCGATCAGCGCCTG-3'
Protein context (NP_001263274.1, residues 123-143): RKKEEEELVS[Leu133Val]KDRIERRRAE